The following is an entry in ClinVar:

NM_001134407.3(GRIN2A):c.1492G>A (p.Gly498Ser)

Gene: GRIN2A (glutamate ionotropic receptor NMDA type subunit 2A; minus strand). Cytogenetic location: 16p13.2.
Variant type: single nucleotide variant.
Coding change: c.1492G>A on transcript NM_001134407.3 (MANE Select); coding-DNA position 1492, G replaced by A.
Protein change: p.Gly498Ser; replaces glycine 498 with serine.
Molecular consequence: missense variant.
Genome position (GRCh38, 1-based): chr16:9,840,941, C>T on the plus strand (G>A on the coding strand, the complement: GRIN2A is on the minus strand). VCF-style: chr16-9840941-C-T. GRCh37 (hg19) VCF-style: chr16-9934798-C-T.
Other names: c.1492G>A, p.Gly498Ser (NM_000833.5, NM_001134408.2); short protein forms G498S.
Identifiers: ClinVar variation 930862 (VCV000930862.14), dbSNP rs757713617, ClinGen allele CA394800525.

ClinVar aggregate classification (germline): Pathogenic/Likely pathogenic. Review status: criteria provided, multiple submitters, no conflicts (2 of 4 stars). 4 submissions from 4 submitters: Pathogenic (1); Likely pathogenic (1). 2 of the submissions do not count toward it. Last evaluated 2023-07-18.

Conditions:
Landau-Kleffner syndrome (FESD). Also called: EPILEPSY, FOCAL, WITH SPEECH DISORDER AND WITH OR WITHOUT MENTAL RETARDATION; APHASIA, ACQUIRED, WITH EPILEPSY. Identifiers: Orphanet 1945, Orphanet 725, Orphanet 98818, MedGen C0282512, MONDO:0009509, OMIM 245570.

Allele frequency attached by ClinVar (database versions not stated): gnomAD exomes below 0.00001.
gnomAD v4.1: 1 of 1,613,714 alleles (0.000062%); highest among the groups gnomAD compares: Non-Finnish European, 0.000085%; no homozygotes.

Submissions (4):

Labcorp Genetics (formerly Invitae), Labcorp
Classification: Pathogenic for Landau-Kleffner syndrome. Last evaluated: 2023-07-18. Review status: criteria provided, single submitter. Criteria: Invitae Variant Classification Sherloc (09022015). Collection method: clinical testing. Allele origin: germline.
Comment: For these reasons, this variant has been classified as Pathogenic. Advanced modeling of protein sequence and biophysical properties (such as structural, functional, and spatial information, amino acid conservation, physicochemical variation, residue mobility, and thermodynamic stability) performed at Invitae indicates that this missense variant is expected to disrupt GRIN2A protein function. ClinVar contains an entry for this variant (Variation ID: 930862). This missense change has been observed in individual(s) with clinical features of GRIN2A-related conditions (PMID: 30544257). In at least one individual the variant was observed to be de novo. This variant is not present in population databases (gnomAD no frequency). This sequence change replaces glycine, which is neutral and non-polar, with serine, which is neutral and polar, at codon 498 of the GRIN2A protein (p.Gly498Ser).

Institute of Human Genetics, University of Leipzig Medical Center
Classification: Likely pathogenic for Landau-Kleffner syndrome. Last evaluated: 2019-01-01. Review status: criteria provided, single submitter. Criteria: ACMG Guidelines, 2015. Collection method: research. Allele origin: de novo. Affected: yes.

Clinical Genetics Laboratory, University Hospital Schleswig-Holstein
Classification: Likely pathogenic for Landau-Kleffner syndrome. Last evaluated: 2021-08-17. Review status: no assertion criteria provided. Collection method: clinical testing. Allele origin: germline. Affected: yes. Not counted in ClinVar's aggregate classification.

Centre for Mendelian Genomics, University Medical Centre Ljubljana
Classification: Uncertain significance for Landau-Kleffner syndrome. Last evaluated: 2019-04-30. Review status: flagged submission. Criteria: ACMG Guidelines, 2015. Collection method: clinical testing. Allele origin: unknown. Affected: yes. Not counted in ClinVar's aggregate classification.
Comment: This variant was classified as: Uncertain significance. The available evidence on this variant's pathogenicity is insufficient or conflicting. The following ACMG criteria were applied in classifying this variant: PM2,PP2,PP3.
ClinVar note: Reason: Outlier claim with insufficient supporting evidence

Literature cited by the submitters: PubMed 30544257 (cited by Labcorp Genetics (formerly Invitae), Labcorp and Institute of Human Genetics, University of Leipzig Medical Center).